The following is an entry in ClinVar:

ClinVar aggregate classification (germline): Uncertain significance. Review status: criteria provided, multiple submitters, no conflicts (2 of 4 stars). 3 submissions from 3 submitters: Uncertain significance (3). Last evaluated 2024-10-23.

Conditions:
Inborn genetic diseases. Identifiers: MedGen C0950123, MeSH D030342.

Allele frequency attached by ClinVar (database versions not stated): ExAC 0.00011; gnomAD exomes 0.00016; gnomAD 0.00034 and 0.00035; TOPMed 0.00036.
gnomAD v4.1: 214 of 1,613,936 alleles (0.013%); highest among the groups gnomAD compares: Admixed American, 0.1%; no homozygotes.

Submissions (3):

Blueprint Genetics
Classification: Uncertain significance. Last evaluated: 2024-10-23. Review status: criteria provided, single submitter. Criteria: ACMG Guidelines, 2015. Collection method: clinical testing. Allele origin: germline.

Ambry Genetics
Classification: Uncertain significance for Inborn genetic diseases. Last evaluated: 2024-10-07. Review status: criteria provided, single submitter. Criteria: Ambry Variant Classification Scheme 2023. Collection method: clinical testing. Allele origin: germline.

GeneDx
Classification: Uncertain significance. Last evaluated: 2022-05-06. Review status: criteria provided, single submitter. Criteria: GeneDx Variant Classification Process June 2021. Collection method: clinical testing. Allele origin: germline. Affected: yes.
Comment: In silico analysis supports that this missense variant has a deleterious effect on protein structure/function; Has not been previously published as pathogenic or benign to our knowledge

NM_030653.4(DDX11):c.2225C>T (p.Ala742Val)

Gene: DDX11 (DEAD/H-box helicase 11; plus strand). Cytogenetic location: 12p11.21.
Variant type: single nucleotide variant.
Coding change: c.2225C>T on transcript NM_030653.4 (MANE Select); coding-DNA position 2225, C replaced by T.
Protein change: p.Ala742Val; replaces alanine 742 with valine.
Molecular consequence: missense variant.
Genome position (GRCh38, 1-based): chr12:31,102,265, C>T. VCF-style: chr12-31102265-C-T. GRCh37 (hg19) VCF-style: chr12-31255199-C-T.
Other names: c.2225C>T, p.Ala742Val (NM_001257144.2, NM_152438.2); c.2147C>T, p.Ala716Val (NM_001257145.2); c.2075C>T, p.Ala692Val (NM_004399.3); short protein forms A692V, A716V, A742V.
Identifiers: ClinVar variation 1684052 (VCV001684052.5), dbSNP rs772951240, ClinGen allele CA6501700.